The following is an entry in ClinVar:

NM_003839.4(TNFRSF11A):c.453C>G (p.Cys151Trp)

Gene: TNFRSF11A (TNF receptor superfamily member 11a; plus strand). Cytogenetic location: 18q21.33.
Variant type: single nucleotide variant.
Coding change: c.453C>G on transcript NM_003839.4 (MANE Select); coding-DNA position 453, C replaced by G.
Protein change: p.Cys151Trp; replaces cysteine 151 with tryptophan.
Molecular consequence: missense variant. On other transcripts: intron variant (1).
Genome position (GRCh38, 1-based): chr18:62,358,273, C>G. VCF-style: chr18-62358273-C-G. GRCh37 (hg19) VCF-style: chr18-60025506-C-G.
Other names: c.453C>G, p.Cys151Trp (NM_001270949.2, NM_001270950.2, NM_001270951.2); c.428-17C>G (NM_001278268.2); short protein forms C151W.
Identifiers: ClinVar variation 1719575 (VCV001719575.5), dbSNP rs2511567041, ClinGen allele CA402613066.

ClinVar aggregate classification (germline): Uncertain significance (1 of 4 stars; one submission).

Submission:

Labcorp Genetics (formerly Invitae), Labcorp
Classification: Uncertain significance. Last evaluated: 2022-09-24. Review status: criteria provided, single submitter. Criteria: Invitae Variant Classification Sherloc (09022015). Collection method: clinical testing. Allele origin: germline.
Comment: This sequence change replaces cysteine, which is neutral and slightly polar, with tryptophan, which is neutral and slightly polar, at codon 151 of the TNFRSF11A protein (p.Cys151Trp). This variant is not present in population databases (gnomAD no frequency). This variant has not been reported in the literature in individuals affected with TNFRSF11A-related conditions. Advanced modeling of protein sequence and biophysical properties (such as structural, functional, and spatial information, amino acid conservation, physicochemical variation, residue mobility, and thermodynamic stability) performed at Invitae indicates that this missense variant is expected to disrupt TNFRSF11A protein function. Algorithms developed to predict the effect of sequence changes on RNA splicing suggest that this variant may disrupt the consensus splice site. In summary, the available evidence is currently insufficient to determine the role of this variant in disease. Therefore, it has been classified as a Variant of Uncertain Significance.